The following is an entry in ClinVar:

NM_015241.3(MICAL3):c.5406C>T (p.Asp1802=)

Gene: MICAL3 (microtubule associated monooxygenase, calponin and LIM domain containing 3; minus strand). Cytogenetic location: 22q11.21.
Variant type: single nucleotide variant.
Coding change: c.5406C>T on transcript NM_015241.3 (MANE Select); coding-DNA position 5406, C replaced by T.
Protein change: p.Asp1802=; no amino-acid change (aspartic acid 1802 retained).
Molecular consequence: synonymous variant.
Genome position (GRCh38, 1-based): chr22:17,816,729, G>A on the plus strand (C>T on the coding strand, the complement: MICAL3 is on the minus strand). VCF-style: chr22-17816729-G-A. GRCh37 (hg19) VCF-style: chr22-18299495-G-A.
Identifiers: ClinVar variation 2652844 (VCV002652844.24), dbSNP rs201187618, ClinGen allele CA10091291.

ClinVar aggregate classification (germline): Likely benign (1 of 4 stars; one submission).

Allele frequency attached by ClinVar (database versions not stated): ExAC 0.00010; gnomAD 0.00011; gnomAD exomes 0.00013; TOPMed 0.00022; 1000 Genomes Project 0.00060; 1000 Genomes Project 30x 0.00062.
gnomAD v4.1: 214 of 1,552,790 alleles (0.014%); highest among the groups gnomAD compares: Middle Eastern, 0.083%; 1 homozygote.

Submission:

CeGaT Center for Human Genetics Tuebingen
Classification: Likely benign. Last evaluated: 2022-10-01. Review status: criteria provided, single submitter. Criteria: CeGaT Center For Human Genetics Tuebingen Variant Classification Criteria Version 2. Collection method: clinical testing. Allele origin: germline. Affected: yes. Observed: 1 variant allele.
Comment: MICAL3: BP4, BP7